The following is an entry in ClinVar:

ClinVar aggregate classification (germline): Uncertain significance (1 of 4 stars; one submission).

Conditions:
Succinate-semialdehyde dehydrogenase deficiency (SSADHD). Also called: GABA METABOLIC DEFECT; 4-HYDROXYBUTYRIC ACIDURIA; SSADH DEFICIENCY; Succinic Semialdehyde Dehydrogenase Deficiency. Identifiers: Orphanet 22, MedGen C0268631, MONDO:0010083, OMIM 271980.

Allele frequency attached by ClinVar (database versions not stated): TOPMed 0.00001.
gnomAD v4.1: 34 of 1,524,542 alleles (0.0022%); highest among the groups gnomAD compares: Non-Finnish European, 0.003%; no homozygotes.

Submission:

Labcorp Genetics (formerly Invitae), Labcorp
Classification: Uncertain significance for Succinate-semialdehyde dehydrogenase deficiency. Last evaluated: 2021-08-28. Review status: criteria provided, single submitter. Criteria: Invitae Variant Classification Sherloc (09022015). Collection method: clinical testing. Allele origin: germline.
Comment: This sequence change replaces glycine with arginine at codon 84 of the ALDH5A1 protein (p.Gly84Arg). The glycine residue is moderately conserved and there is a moderate physicochemical difference between glycine and arginine. The frequency data for this variant in the population databases is considered unreliable, as metrics indicate insufficient coverage at this position in the ExAC database. This variant has not been reported in the literature in individuals affected with ALDH5A1-related conditions. Algorithms developed to predict the effect of missense changes on protein structure and function are either unavailable or do not agree on the potential impact of this missense change (SIFT: "Deleterious"; PolyPhen-2: "Probably Damaging"; Align-GVGD: "Class C0"). In summary, the available evidence is currently insufficient to determine the role of this variant in disease. Therefore, it has been classified as a Variant of Uncertain Significance.

NM_001080.3(ALDH5A1):c.250G>C (p.Gly84Arg)

Genes: ALDH5A1 (aldehyde dehydrogenase 5 family member A1; plus strand), GPLD1 (glycosylphosphatidylinositol specific phospholipase D1; minus strand), LOC129995978 (ATAC-STARR-seq lymphoblastoid silent region 16989; plus strand). Cytogenetic location: 6p22.3.
Variant type: single nucleotide variant.
Coding change: c.250G>C on transcript NM_001080.3 (MANE Select); coding-DNA position 250, G replaced by C.
Protein change: p.Gly84Arg; replaces glycine 84 with arginine.
Molecular consequence: missense variant.
Genome position (GRCh38, 1-based): chr6:24,495,246, G>C. VCF-style: chr6-24495246-G-C. GRCh37 (hg19) VCF-style: chr6-24495474-G-C.
Other names: c.250G>C, p.Gly84Arg (NM_001368954.1, NM_170740.1); short protein forms G84R.
Identifiers: ClinVar variation 529483 (VCV000529483.8), dbSNP rs1034294766, ClinGen allele CA136122208.